The following is an entry in ClinVar:

ClinVar aggregate classification (germline): Uncertain significance (1 of 4 stars; one submission).

Conditions:
Long QT syndrome (LQTS). Identifiers: MedGen C0023976, MeSH D008133, MONDO:0002442. Disease mechanism: loss of function. Inheritance: Various modes of inheritance.

Allele frequency attached by ClinVar (database versions not stated): gnomAD exomes below 0.00001.
gnomAD v4.1: 1 of 1,614,074 alleles (0.000062%); highest among the groups gnomAD compares: Non-Finnish European, 0.000085%; no homozygotes.

Submission:

Labcorp Genetics (formerly Invitae), Labcorp
Classification: Uncertain significance for Long QT syndrome. Last evaluated: 2022-09-24. Review status: criteria provided, single submitter. Criteria: Invitae Variant Classification Sherloc (09022015). Collection method: clinical testing. Allele origin: germline.
Comment: This sequence change replaces valine, which is neutral and non-polar, with methionine, which is neutral and non-polar, at codon 1525 of the ANK2 protein (p.Val1525Met). This variant is not present in population databases (gnomAD no frequency). This variant has not been reported in the literature in individuals affected with ANK2-related conditions. Algorithms developed to predict the effect of missense changes on protein structure and function (SIFT, PolyPhen-2, Align-GVGD) all suggest that this variant is likely to be tolerated. In summary, the available evidence is currently insufficient to determine the role of this variant in disease. Therefore, it has been classified as a Variant of Uncertain Significance.

NM_001148.6(ANK2):c.4573G>A (p.Val1525Met)

Gene: ANK2 (ankyrin 2; plus strand). Cytogenetic location: 4q26.
Variant type: single nucleotide variant.
Coding change: c.4573G>A on transcript NM_001148.6 (MANE Select); coding-DNA position 4573, G replaced by A.
Protein change: p.Val1525Met; replaces valine 1525 with methionine.
Molecular consequence: missense variant. On other transcripts: intron variant (68).
Genome position (GRCh38, 1-based): chr4:113,353,191, G>A. VCF-style: chr4-113353191-G-A. GRCh37 (hg19) VCF-style: chr4-114274347-G-A.
Other names: c.4426+2942G>A (NM_020977.5); c.4483+2942G>A (NM_001386152.1); c.4504+2942G>A (NM_001354237.2); c.4405+2942G>A (NM_001354230.2); c.4468+2942G>A (NM_001354231.2, NM_001354242.2); c.4471+2942G>A (NM_001386144.1, NM_001354240.2, NM_001354241.2); c.1990+2942G>A (NM_001354279.2, NM_001354282.2); c.1975+2942G>A (NM_001354280.2); and 35 more; short protein forms V1447M, V1525M, V1564M, V1572M, V325M.
Identifiers: ClinVar variation 1720293 (VCV001720293.5), dbSNP rs2505188232, ClinGen allele CA357914990.